The following is an entry in ClinVar:

NM_000722.4(CACNA2D1):c.2971T>G (p.Phe991Val)

Gene: CACNA2D1 (calcium voltage-gated channel auxiliary subunit alpha2delta 1; minus strand). Cytogenetic location: 7q21.11.
Variant type: single nucleotide variant.
Coding change: c.2971T>G on transcript NM_000722.4 (MANE Select); coding-DNA position 2971, T replaced by G.
Protein change: p.Phe991Val; replaces phenylalanine 991 with valine.
Molecular consequence: missense variant.
Genome position (GRCh38, 1-based): chr7:81,959,825, A>C on the plus strand (T>G on the coding strand, the complement: CACNA2D1 is on the minus strand). VCF-style: chr7-81959825-A-C. GRCh37 (hg19) VCF-style: chr7-81589141-A-C.
Other names: c.3007T>G, p.Phe1003Val (NM_001366867.1); short protein forms F1003V, F991V.
Identifiers: ClinVar variation 3994513 (VCV003994513.1).
Genomic context (GRCh38, chr7:81,959,825, plus strand): 5'-TCCCTTTGCTCTCAACCATTATGAATATTAAGTTGGTGTTCATAAGCTTTTCTCCATGAA[A>C]GATTCTGCAAAATAAATATGGTATCATAGAAAATGAGTATCTTTTCCAAAATAAATGGAA-3'
Protein context (NP_000713.2, residues 981-1001): VLDCGNCSRI[Phe991Val]HGEKLMNTNL

ClinVar aggregate classification (germline): Uncertain significance (1 of 4 stars; one submission).

Conditions:
Cardiovascular phenotype. Identifiers: MedGen CN230736.

Submission:

Ambry Genetics
Classification: Uncertain significance for Cardiovascular phenotype. Last evaluated: 2025-04-12. Review status: criteria provided, single submitter. Criteria: Ambry Variant Classification Scheme 2023. Collection method: clinical testing. Allele origin: germline.
Comment: The p.F991V variant (also known as c.2971T>G), located in coding exon 37 of the CACNA2D1 gene, results from a T to G substitution at nucleotide position 2971. The phenylalanine at codon 991 is replaced by valine, an amino acid with highly similar properties. This amino acid position is conserved. In addition, the in silico prediction for this alteration is inconclusive. Based on the available evidence, the clinical significance of this variant remains unclear.